The following is an entry in ClinVar:

NM_003289.4(TPM2):c.142AAG[1] (p.Lys49del)

Gene: TPM2 (tropomyosin 2; minus strand). Cytogenetic location: 9p13.3.
Variant type: Microsatellite.
Coding change: c.142AAG[1] on transcript NM_003289.4 (MANE Select); one copy of the 3-base unit AAG starting at c.142; the reference has two copies in a row; one copy, 3 bases deleted.
Protein change: p.Lys49del; deletes lysine 49.
Molecular consequence: inframe deletion.
Genome position (GRCh38, 1-based): chr9:35,689,239-35,689,241, CTT deleted on the plus strand (AAG on the coding strand, the reverse complement: TPM2 is on the minus strand); deleting any 3 consecutive bases within chr9:35,689,239-35,689,246 gives the same sequence; the position shown is the placement nearest the transcript's 3' end. VCF-style (leftmost placement, unchanged base first): chr9-35689238-GCTT-G. GRCh37 (hg19) VCF-style: chr9-35689235-GCTT-G.
Other names: c.142AAG[1], p.Lys49del (NM_001301226.2, NM_001301227.2, NM_213674.1); short protein forms K49del.
Identifiers: ClinVar variation 12466 (VCV000012466.9), dbSNP rs199476147, ClinGen allele CA122416.

ClinVar aggregate classification (germline): Likely pathogenic. Review status: criteria provided, single submitter (1 of 4 stars). 3 submissions from 3 submitters: Likely pathogenic (1). 2 of the submissions do not count toward it. Last evaluated 2025-07-02.

Conditions:
Arthrogryposis, distal, type 1A. Also called: ARTHROGRYPOSIS MULTIPLEX CONGENITA, DISTAL, TYPE I. Identifiers: Orphanet 1146, MedGen C6022280, MONDO:0007157, OMIM 108120.
Congenital myopathy 23 (CMYO23). Also called: NEMALINE MYOPATHY 4; Nemaline myopathy 4, autosomal dominant; CAP MYOPATHY 2. Identifiers: MedGen C1836447, MONDO:0012240, OMIM 609285.

Submissions (3):

Labcorp Genetics (formerly Invitae), Labcorp
Classification: Likely pathogenic for Arthrogryposis, distal, type 1A. Last evaluated: 2025-07-02. Review status: criteria provided, single submitter. Criteria: Invitae Variant Classification Sherloc (09022015). Collection method: clinical testing. Allele origin: germline.
Comment: This variant, c.145_147del, results in the deletion of 1 amino acid(s) of the TPM2 protein (p.Lys49del), but otherwise preserves the integrity of the reading frame. This variant is not present in population databases (gnomAD no frequency). This variant has been observed in individual(s) with clinical features of autosomal dominant congenital myopathy (PMID: 19047562). In at least one individual the variant was observed to be de novo. Algorithms developed to predict the effect of variants on gene product structure and function are not available or were not evaluated for this variant. Experimental studies have shown that this variant affects TPM2 function (PMID: 22084935, 23886664, 24039757, 35579956). In summary, the currently available evidence indicates that the variant is pathogenic, but additional data are needed to prove that conclusively. Therefore, this variant has been classified as Likely Pathogenic.

OMIM
Classification: Pathogenic for CONGENITAL MYOPATHY 23. Last evaluated: 2008-12-02. Review status: no assertion criteria provided. Collection method: literature only. Allele origin: germline. Not counted in ClinVar's aggregate classification.

TPM2 homepage - Leiden Muscular Dystrophy pages
No classification provided. Review status: no classification provided. Collection method: not provided. Allele origin: de novo. Not counted in ClinVar's aggregate classification.

Literature cited by the submitters: PubMed 19047562 (cited by Labcorp Genetics (formerly Invitae), Labcorp and OMIM); PubMed 22084935 (cited by Labcorp Genetics (formerly Invitae), Labcorp); PubMed 23886664 (cited by Labcorp Genetics (formerly Invitae), Labcorp); PubMed 24039757 (cited by Labcorp Genetics (formerly Invitae), Labcorp); PubMed 35579956 (cited by Labcorp Genetics (formerly Invitae), Labcorp).